The following is an entry in ClinVar:

NM_012431.3(SEMA3E):c.183G>T (p.Met61Ile)

Gene: SEMA3E (semaphorin 3E; minus strand). Cytogenetic location: 7q21.11.
Variant type: single nucleotide variant.
Coding change: c.183G>T on transcript NM_012431.3 (MANE Select); coding-DNA position 183, G replaced by T.
Protein change: p.Met61Ile; replaces methionine 61 with isoleucine.
Molecular consequence: missense variant. On other transcripts: initiator codon variant (1).
Genome position (GRCh38, 1-based): chr7:83,490,207, C>A on the plus strand (G>T on the coding strand, the complement: SEMA3E is on the minus strand). VCF-style: chr7-83490207-C-A. GRCh37 (hg19) VCF-style: chr7-83119523-C-A.
Other names: c.3G>T, p.Met1Ile (NM_001178129.2); short protein forms M1I, M61I.
Identifiers: ClinVar variation 3354238 (VCV003354238.2).
Genomic context (GRCh38, chr7:83,490,207, plus strand): 5'-GAGGGAATATACAAGGTCCCTGCCTCCCACGAAGAGCCTCTCTTGATATTCATCCAGCAG[C>A]ATTGTATGGAGATCAAGAAATCCAAAAGGGCTATGAAATATTGATGTTCTGTTCAGATTC-3'
Protein context (NP_036563.1, residues 51-71): SPFGFLDLHT[Met61Ile]LLDEYQERLF

ClinVar aggregate classification (germline): Uncertain significance. Review status: criteria provided, single submitter (1 of 4 stars). 2 submissions from 2 submitters: Uncertain significance (1). 1 of the submissions does not count toward it. Last evaluated 2025-10-07.

Conditions:
SEMA3E-related disorder. Also called: SEMA3E-related condition.
CHARGE syndrome (CHARGE). Also called: Hittner Hirsch Kreh syndrome; CHARGE ASSOCIATION--COLOBOMA, HEART ANOMALY, CHOANAL ATRESIA, RETARDATION, GENITAL AND EAR ANOMALIES; Coloboma, heart anomaly, choanal atresia, retardation, genital and ear anomalies; CHARGE association; Hall-Hittner syndrome. Identifiers: Orphanet 138, MedGen C0265354, MONDO:0008965.

Submissions (2):

Labcorp Genetics (formerly Invitae), Labcorp
Classification: Uncertain significance for CHARGE syndrome. Last evaluated: 2025-10-07. Review status: criteria provided, single submitter. Criteria: Invitae Variant Classification Sherloc (09022015). Collection method: clinical testing. Allele origin: germline.
Comment: This sequence change replaces methionine, which is neutral and non-polar, with isoleucine, which is neutral and non-polar, at codon 61 of the SEMA3E protein (p.Met61Ile). This variant is not present in population databases (gnomAD no frequency). This variant has not been reported in the literature in individuals affected with SEMA3E-related conditions. ClinVar contains an entry for this variant (Variation ID: 3354238). An algorithm developed to predict the effect of missense changes on protein structure and function (PolyPhen-2) suggests that this variant is likely to be disruptive. In summary, the available evidence is currently insufficient to determine the role of this variant in disease. Therefore, it has been classified as a Variant of Uncertain Significance.

PreventionGenetics, part of Exact Sciences
Classification: Uncertain significance for SEMA3E-related condition. Last evaluated: 2024-02-14. Review status: no assertion criteria provided. Collection method: clinical testing. Allele origin: germline. Not counted in ClinVar's aggregate classification.
Comment: The SEMA3E c.3G>T variant is predicted to disrupt the translation initiation site (Start loss). To our knowledge, this variant has not been reported in the literature or in a large population database, indicating this variant is rare. At this time, the clinical significance of this variant is uncertain due to the absence of conclusive functional and genetic evidence.